The following is an entry in ClinVar:

ClinVar aggregate classification (germline): Uncertain significance (1 of 4 stars; one submission).

Conditions:
Hereditary spastic paraplegia 3A (SPG3A). Also called: SPASTIC PARAPLEGIA 3, AUTOSOMAL DOMINANT; FAMILIAL SPASTIC PARAPLEGIA, AUTOSOMAL DOMINANT, 1; SPG3; STRUMPELL DISEASE; Spastic Paraplegia 3A; Spastic paraplegia 3A, autosomal dominant. Identifiers: Orphanet 100984, MedGen C2931355, MONDO:0008437, OMIM 182600.

Allele frequency attached by ClinVar (database versions not stated): gnomAD exomes below 0.00001; ExAC 0.00001; ESP Exome Variant Server 0.00008.
gnomAD v4.1: 4 of 1,613,574 alleles (0.00025%); highest among the groups gnomAD compares: Non-Finnish European, 0.00034%; no homozygotes.

Submission:

Labcorp Genetics (formerly Invitae), Labcorp
Classification: Uncertain significance for Hereditary spastic paraplegia 3A. Last evaluated: 2024-09-03. Review status: criteria provided, single submitter. Criteria: Invitae Variant Classification Sherloc (09022015). Collection method: clinical testing. Allele origin: germline.
Comment: This sequence change replaces glycine, which is neutral and non-polar, with aspartic acid, which is acidic and polar, at codon 324 of the ATL1 protein (p.Gly324Asp). This variant is present in population databases (rs368143849, gnomAD 0.007%). This variant has not been reported in the literature in individuals affected with ATL1-related conditions. ClinVar contains an entry for this variant (Variation ID: 941621). Invitae Evidence Modeling of protein sequence and biophysical properties (such as structural, functional, and spatial information, amino acid conservation, physicochemical variation, residue mobility, and thermodynamic stability) indicates that this missense variant is not expected to disrupt ATL1 protein function with a negative predictive value of 80%. In summary, the available evidence is currently insufficient to determine the role of this variant in disease. Therefore, it has been classified as a Variant of Uncertain Significance.

NM_015915.5(ATL1):c.971G>A (p.Gly324Asp)

Gene: ATL1 (atlastin GTPase 1; plus strand). Cytogenetic location: 14q22.1.
Variant type: single nucleotide variant.
Coding change: c.971G>A on transcript NM_015915.5 (MANE Select); coding-DNA position 971, G replaced by A.
Protein change: p.Gly324Asp; replaces glycine 324 with aspartic acid.
Molecular consequence: missense variant.
Genome position (GRCh38, 1-based): chr14:50,620,707, G>A. VCF-style: chr14-50620707-G-A. GRCh37 (hg19) VCF-style: chr14-51087425-G-A.
Other names: c.971G>A, p.Gly324Asp (NM_001127713.1, NM_181598.4); short protein forms G324D.
Identifiers: ClinVar variation 941621 (VCV000941621.7), dbSNP rs368143849, ClinGen allele CA7180372.